The following is an entry in ClinVar:

ClinVar aggregate classification (germline): Uncertain significance (1 of 4 stars; one submission).

Conditions:
Hereditary cancer-predisposing syndrome. Also called: Neoplastic Syndromes, Hereditary; Tumor predisposition; Hereditary neoplastic syndrome; Hereditary Cancer Syndrome. Identifiers: Orphanet 140162, MedGen C0027672, MeSH D009386, MONDO:0015356.

Submission:

Ambry Genetics
Classification: Uncertain significance for Hereditary cancer-predisposing syndrome. Last evaluated: 2023-02-15. Review status: criteria provided, single submitter. Criteria: Ambry Variant Classification Scheme 2023. Collection method: clinical testing. Allele origin: germline.
Comment: The p.Q1230K variant (also known as c.3688C>A), located in coding exon 15 of the APC gene, results from a C to A substitution at nucleotide position 3688. The glutamine at codon 1230 is replaced by lysine, an amino acid with similar properties. This amino acid position is conserved. In addition, in silico predictors for this gene do not accurately predict pathogenicity. Since supporting evidence is limited at this time, the clinical significance of this alteration remains unclear.

NM_000038.6(APC):c.3688C>A (p.Gln1230Lys)

Gene: APC (APC regulator of Wnt signaling pathway; plus strand). Cytogenetic location: 5q22.2.
Variant type: single nucleotide variant.
Coding change: c.3688C>A on transcript NM_000038.6 (MANE Select); coding-DNA position 3688, C replaced by A.
Protein change: p.Gln1230Lys; replaces glutamine 1230 with lysine.
Molecular consequence: missense variant. On other transcripts: non-coding transcript variant (2).
Genome position (GRCh38, 1-based): chr5:112,839,282, C>A. VCF-style: chr5-112839282-C-A. GRCh37 (hg19) VCF-style: chr5-112174979-C-A.
Other names: c.3688C>A, p.Gln1230Lys (NM_001127510.3, NM_001354895.2, NM_001407450.1); c.3634C>A, p.Gln1212Lys (NM_001127511.3); c.3742C>A, p.Gln1248Lys (NM_001354896.2, NM_001407447.1, NM_001407448.1 and 1 more transcripts); c.3718C>A, p.Gln1240Lys (NM_001354897.2); c.3613C>A, p.Gln1205Lys (NM_001354898.2); c.3604C>A, p.Gln1202Lys (NM_001354899.2); c.3565C>A, p.Gln1189Lys (NM_001354900.2); c.3511C>A, p.Gln1171Lys (NM_001354901.2, NM_001407453.1); and 11 more; short protein forms Q1070K, Q1171K, Q1202K, Q1220K, Q1258K, Q947K, Q1101K, Q1104K.
Identifiers: ClinVar variation 2452737 (VCV002452737.2), dbSNP rs863225344, ClinGen allele CA16029429.
Genomic context (GRCh38, chr5:112,839,282, plus strand): 5'-CATATGTCTTCAAGCAGTGAGAATACGTCCACACCTTCATCTAATGCCAAGAGGCAGAAT[C>A]AGCTCCATCCAAGTTCTGCACAGAGTAGAAGTGGTCAGCCTCAAAAGGCTGCCACTTGCA-3'
Protein context (NP_000029.2, residues 1220-1240): TPSSNAKRQN[Gln1230Lys]LHPSSAQSRS